The following is an entry in ClinVar:

ClinVar aggregate classification (germline): Uncertain significance (1 of 4 stars; one submission).

Conditions:
Charcot-Marie-Tooth disease X-linked dominant 6. Also called: CHARCOT-MARIE-TOOTH NEUROPATHY, X-LINKED DOMINANT, 6. Identifiers: Orphanet 352675, MedGen C3806702, MONDO:0010479, OMIM 300905.

Submission:

Labcorp Genetics (formerly Invitae), Labcorp
Classification: Uncertain significance for Charcot-Marie-Tooth disease X-linked dominant 6. Last evaluated: 2017-11-15. Review status: criteria provided, single submitter. Criteria: Invitae Variant Classification Sherloc (09022015). Collection method: clinical testing. Allele origin: germline.
Comment: A gross duplication of the genomic region encompassing the full coding sequence of the PDK3 gene has been identified. The boundaries of this event are unknown as the duplication extends beyond the assayed region for this gene and therefore may encompass additional genes. As the precise location of this duplication is unknown, it may be in tandem or it may be located elsewhere in the genome. This variant has not been reported in the literature in individuals with PDK3-related disease. In summary, the available evidence is currently insufficient to determine the role of this variant in disease. Therefore, it has been classified as a Variant of Uncertain Significance.

NC_000023.10:g.(?_24483553)_(24557301_?)dup

Genes: PDK3 (pyruvate dehydrogenase kinase 3; plus strand), LOC130068067 (ATAC-STARR-seq lymphoblastoid active region 29505; plus strand). Cytogenetic location: Xp22.11.
Variant type: Duplication.
Identifiers: ClinVar variation 541117 (VCV000541117.1).